The following is an entry in ClinVar:

ClinVar aggregate classification (germline): Uncertain significance (1 of 4 stars; one submission).

Allele frequency attached by ClinVar (database versions not stated): gnomAD exomes below 0.00001; gnomAD 0.00001; TOPMed 0.00002.
gnomAD v4.1: 4 of 1,613,900 alleles (0.00025%); highest among the groups gnomAD compares: African/African-American, 0.004%; no homozygotes.

Submission:

Labcorp Genetics (formerly Invitae), Labcorp
Classification: Uncertain significance. Last evaluated: 2022-02-25. Review status: criteria provided, single submitter. Criteria: Invitae Variant Classification Sherloc (09022015). Collection method: clinical testing. Allele origin: germline.
Comment: This sequence change replaces glutamine, which is neutral and polar, with glutamic acid, which is acidic and polar, at codon 334 of the USH1C protein (p.Gln334Glu). This variant is not present in population databases (gnomAD no frequency). This variant has not been reported in the literature in individuals affected with USH1C-related conditions. Algorithms developed to predict the effect of missense changes on protein structure and function (SIFT, PolyPhen-2, Align-GVGD) all suggest that this variant is likely to be tolerated. In summary, the available evidence is currently insufficient to determine the role of this variant in disease. Therefore, it has been classified as a Variant of Uncertain Significance.

NM_153676.4(USH1C):c.1000C>G (p.Gln334Glu)

Gene: USH1C (USH1 protein network component harmonin; minus strand). Cytogenetic location: 11p15.1.
Variant type: single nucleotide variant.
Coding change: c.1000C>G on transcript NM_153676.4 (MANE Select); coding-DNA position 1000, C replaced by G.
Protein change: p.Gln334Glu; replaces glutamine 334 with glutamic acid.
Molecular consequence: missense variant. On other transcripts: non-coding transcript variant (1).
Genome position (GRCh38, 1-based): chr11:17,522,803, G>C on the plus strand (C>G on the coding strand, the complement: USH1C is on the minus strand). VCF-style: chr11-17522803-G-C. GRCh37 (hg19) VCF-style: chr11-17544350-G-C.
Other names: c.943C>G, p.Gln315Glu (NM_001297764.2); c.1000C>G, p.Gln334Glu (NM_005709.4); short protein forms Q315E, Q334E.
Identifiers: ClinVar variation 1959207 (VCV001959207.2), dbSNP rs935876011, ClinGen allele CA218458457.